The following is an entry in ClinVar:

NM_024597.4(MAP7D3):c.870T>C (p.Ser290=)

Gene: MAP7D3 (MAP7 domain containing 3; minus strand). Cytogenetic location: Xq26.3.
Variant type: single nucleotide variant.
Coding change: c.870T>C on transcript NM_024597.4 (MANE Select); coding-DNA position 870, T replaced by C.
Protein change: p.Ser290=; no amino-acid change (serine 290 retained).
Molecular consequence: synonymous variant.
Genome position (GRCh38, 1-based): chrX:136,232,087, A>G on the plus strand (T>C on the coding strand, the complement: MAP7D3 is on the minus strand). VCF-style: chrX-136232087-A-G. GRCh37 (hg19) VCF-style: chrX-135314246-A-G.
Other names: c.816T>C, p.Ser272= (NM_001173516.1); c.765T>C, p.Ser255= (NM_001173517.2).
Identifiers: ClinVar variation 3048706 (VCV003048706.2), dbSNP rs768921111, ClinGen allele CA10525618.
Genomic context (GRCh38, chrX:136,232,087, plus strand): 5'-ATTCACCTGGGGGGGTGCATCCACACTTGCCTTGGGAGGTGTCTCTACTTTCTCCAAGGG[A>G]GACTCTTCTACTTTTGTTTGAGGAGGTATTTTCATTGTCGACATGGGAAACATAACAGCC-3'
Protein context (NP_078873.2, residues 280-300): KIPPQTKVEE[Ser290=]PLEKVETPPK

ClinVar aggregate classification (germline): Likely benign (0 of 4 stars; one submission).

Conditions:
MAP7D3-related disorder. Also called: MAP7D3-related condition.

Allele frequency attached by ClinVar (database versions not stated): ExAC 0.00002; gnomAD exomes 0.00003; gnomAD 0.00007; TOPMed 0.00008.
gnomAD v4.1: 44 of 1,208,740 alleles (0.0036%); highest among the groups gnomAD compares: Non-Finnish European, 0.0048%; no homozygotes.

Submission:

PreventionGenetics, part of Exact Sciences
Classification: Likely benign for MAP7D3-related condition. Last evaluated: 2019-11-20. Review status: no assertion criteria provided. Collection method: clinical testing. Allele origin: germline.
Comment: This variant is classified as likely benign based on ACMG/AMP sequence variant interpretation guidelines (Richards et al. 2015 PMID: 25741868, with internal and published modifications).